The following is an entry in ClinVar:

ClinVar aggregate classification (germline): Conflicting classifications of pathogenicity. Review status: criteria provided, conflicting classifications (1 of 4 stars). 2 submissions from 2 submitters: Uncertain significance (1); Likely benign (1). Last evaluated 2026-07-30.

Conditions:
Renal cell carcinoma. Identifiers: Orphanet 217071, MedGen C0007134, MeSH D002292, MONDO:0005086, HP:0005584.
Hereditary cancer-predisposing syndrome. Also called: Hereditary Cancer Syndrome; Hereditary neoplastic syndrome; Neoplastic Syndromes, Hereditary; Tumor predisposition. Identifiers: Orphanet 140162, MedGen C0027672, MeSH D009386, MONDO:0015356.

Submissions (2):

Ambry Genetics
Classification: Likely benign for Hereditary cancer-predisposing syndrome. Last evaluated: 2026-07-30. Review status: criteria provided, single submitter. Criteria: Ambry Variant Classification Scheme 2023. Collection method: clinical testing. Allele origin: germline.

Labcorp Genetics (formerly Invitae), Labcorp
Classification: Uncertain significance for Renal cell carcinoma. Last evaluated: 2024-12-15. Review status: criteria provided, single submitter. Criteria: Invitae Variant Classification Sherloc (09022015). Collection method: clinical testing. Allele origin: germline.
Comment: This sequence change replaces valine, which is neutral and non-polar, with isoleucine, which is neutral and non-polar, at codon 568 of the MET protein (p.Val568Ile). This variant is not present in population databases (gnomAD no frequency). This variant has not been reported in the literature in individuals affected with MET-related conditions. ClinVar contains an entry for this variant (Variation ID: 1778382). An algorithm developed to predict the effect of missense changes on protein structure and function outputs the following: PolyPhen-2: "Benign". The isoleucine amino acid residue is found in multiple mammalian species, which suggests that this missense change does not adversely affect protein function. In summary, the available evidence is currently insufficient to determine the role of this variant in disease. Therefore, it has been classified as a Variant of Uncertain Significance.

NM_000245.4(MET):c.1702G>A (p.Val568Ile)

Gene: MET (MET proto-oncogene, receptor tyrosine kinase; plus strand). Cytogenetic location: 7q31.2.
Variant type: single nucleotide variant.
Coding change: c.1702G>A on transcript NM_000245.4 (MANE Select); coding-DNA position 1702, G replaced by A.
Protein change: p.Val568Ile; replaces valine 568 with isoleucine.
Molecular consequence: missense variant.
Genome position (GRCh38, 1-based): chr7:116,755,355, G>A. VCF-style: chr7-116755355-G-A. GRCh37 (hg19) VCF-style: chr7-116395409-G-A.
Other names: c.1702G>A, p.Val568Ile (NM_001127500.3, NM_001324401.3); c.412G>A, p.Val138Ile (NM_001324402.2); short protein forms V138I, V568I.
Identifiers: ClinVar variation 1778382 (VCV001778382.6), dbSNP rs2485699594, ClinGen allele CA368977605.